The following is an entry in ClinVar:

ClinVar aggregate classification (germline): Likely benign (1 of 4 stars; one submission).

Conditions:
GDAP1-related disorder. Also called: GDAP1-related condition; GDAP1-related disorders.

gnomAD v4.1: 5 of 152,290 alleles (0.0033%); highest among the groups gnomAD compares: East Asian, 0.096%; no homozygotes.

Submission:

PreventionGenetics, part of Exact Sciences
Classification: Likely benign for GDAP1-related condition. Last evaluated: 2025-04-28. Review status: criteria provided, single submitter. Criteria: ACMG Guidelines, 2015. Collection method: clinical testing. Allele origin: germline.
Comment: This variant is classified as likely benign based on ACMG/AMP sequence variant interpretation guidelines (Richards et al. 2015 PMID: 25741868, with internal and published modifications).

NM_001362931.2(GDAP1):c.720A>G (p.Gly240=)

Gene: GDAP1 (ganglioside induced differentiation associated protein 1; plus strand). Cytogenetic location: 8q21.11.
Variant type: single nucleotide variant.
Coding change: c.720A>G on transcript NM_001362931.2; coding-DNA position 720, A replaced by G.
Protein change: p.Gly240=; no amino-acid change (glycine 240 retained).
Molecular consequence: synonymous variant.
Genome position (GRCh38, 1-based): chr8:74,488,703, A>G. VCF-style: chr8-74488703-A-G. GRCh37 (hg19) VCF-style: chr8-75400938-A-G.
Identifiers: ClinVar variation 4987382 (VCV004987382.1).